The following is an entry in ClinVar:

NM_144719.4(CCDC13):c.164A>G (p.Asp55Gly)

Gene: CCDC13 (coiled-coil domain containing 13; minus strand). Cytogenetic location: 3p22.1.
Variant type: single nucleotide variant.
Coding change: c.164A>G on transcript NM_144719.4 (MANE Select); coding-DNA position 164, A replaced by G.
Protein change: p.Asp55Gly; replaces aspartic acid 55 with glycine.
Molecular consequence: missense variant.
Genome position (GRCh38, 1-based): chr3:42,758,182, T>C on the plus strand (A>G on the coding strand, the complement: CCDC13 is on the minus strand). VCF-style: chr3-42758182-T-C. GRCh37 (hg19) VCF-style: chr3-42799674-T-C.
Other names: NC_000003.11:g.42799674T>C; short protein forms D55G.
Identifiers: ClinVar variation 2653714 (VCV002653714.24), dbSNP rs34234072, ClinGen allele CA2338403.
Genomic context (GRCh38, chr3:42,758,182, plus strand): 5'-TACCTCTTCTCAAAGCTATTTTTCGAGTTTGGCTCCCCTGCGTGGAGAAGGCTGAGGCCA[T>C]CTGAAACCTCCAAGGGCTCCTCTTGGTCGTCAGCTCTGCTTTTGAGGCTCAGTTCTTTTT-3'
Protein context (NP_653320.3, residues 45-65): DDQEEPLEVS[Asp55Gly]GLSLLHAGEP

ClinVar aggregate classification (germline): Benign (1 of 4 stars; one submission).

Allele frequency attached by ClinVar (database versions not stated): 1000 Genomes Project 30x 0.00390; 1000 Genomes Project 0.00439; TOPMed 0.00697; ESP Exome Variant Server 0.00784; gnomAD 0.00858; ExAC 0.00946.

Submissions (10):

CeGaT Center for Human Genetics Tuebingen
Classification: Benign. Last evaluated: 2023-02-01. Review status: criteria provided, single submitter. Criteria: CeGaT Center For Human Genetics Tuebingen Variant Classification Criteria Version 2. Collection method: clinical testing. Allele origin: germline. Affected: yes. Observed: 1 variant allele.
Comment: CCDC13: BP4, BS1, BS2; ENSG00000280571: BP4, BS1, BS2

Dr. Peter K. Rogan Lab, Western University
No classification provided (evidence only). Condition: Clear cell carcinoma of kidney. Review status: no classification provided. Collection method: in vitro. Allele origin: not applicable. Functional consequence: retained intron. Not counted in ClinVar's aggregate classification.

Dr. Peter K. Rogan Lab, Western University
No classification provided (evidence only). Condition: Clear cell carcinoma of kidney. Review status: no classification provided. Collection method: in vitro. Allele origin: not applicable. Functional consequence: retained intron. Not counted in ClinVar's aggregate classification.

Dr. Peter K. Rogan Lab, Western University
No classification provided (evidence only). Condition: Acute myeloid leukemia. Review status: no classification provided. Collection method: in vitro. Allele origin: not applicable. Functional consequence: retained intron. Not counted in ClinVar's aggregate classification.

Dr. Peter K. Rogan Lab, Western University
No classification provided (evidence only). Condition: Thyroid cancer, nonmedullary, 1. Review status: no classification provided. Collection method: in vitro. Allele origin: not applicable. Functional consequence: retained intron. Not counted in ClinVar's aggregate classification.

Dr. Peter K. Rogan Lab, Western University
No classification provided (evidence only). Condition: Thyroid cancer, nonmedullary, 1. Review status: no classification provided. Collection method: in vitro. Allele origin: not applicable. Functional consequence: retained intron. Not counted in ClinVar's aggregate classification.

Dr. Peter K. Rogan Lab, Western University
No classification provided (evidence only). Condition: Thyroid cancer, nonmedullary, 1. Review status: no classification provided. Collection method: in vitro. Allele origin: not applicable. Functional consequence: retained intron. Not counted in ClinVar's aggregate classification.

Dr. Peter K. Rogan Lab, Western University
No classification provided (evidence only). Condition: Ovarian serous cystadenocarcinoma. Review status: no classification provided. Collection method: in vitro. Allele origin: not applicable. Functional consequence: retained intron. Not counted in ClinVar's aggregate classification.

Dr. Peter K. Rogan Lab, Western University
No classification provided (evidence only). Condition: Gastric cancer. Review status: no classification provided. Collection method: in vitro. Allele origin: not applicable. Functional consequence: retained intron. Not counted in ClinVar's aggregate classification.

Dr. Peter K. Rogan Lab, Western University
No classification provided (evidence only). Condition: Adrenocortical carcinoma, hereditary. Review status: no classification provided. Collection method: in vitro. Allele origin: not applicable. Functional consequence: retained intron. Not counted in ClinVar's aggregate classification.